The following is an entry in ClinVar:

NM_000020.3(ACVRL1):c.1426_1428del (p.Pro476del)

Gene: ACVRL1 (activin A receptor like type 1; plus strand). Cytogenetic location: 12q13.13.
Variant type: Deletion.
Coding change: c.1426_1428del on transcript NM_000020.3 (MANE Select); coding-DNA positions 1426 to 1428, 3 bases deleted (CCC; older notation c.1426_1428delCCC).
Protein change: p.Pro476del; deletes proline 476.
Molecular consequence: inframe deletion.
Genome position (GRCh38, 1-based): chr12:51,920,807-51,920,809, CCC deleted; deleting any 3 consecutive bases within chr12:51,920,806-51,920,809 gives the same sequence; the c. name uses the placement nearest the transcript's 3' end. VCF-style (leftmost placement, unchanged base first): chr12-51920805-ACCC-A. GRCh37 (hg19) VCF-style: chr12-52314589-ACCC-A.
Other names: c.1426_1428del, p.Pro476del (NM_001077401.2, NM_001406487.1); c.1270_1272del, p.Pro424del (NM_001406490.1); c.1114_1116del, p.Pro372del (NM_001406491.1, NM_001406492.1); c.916_918del, p.Pro306del (NM_001406494.1); c.862_864del, p.Pro288del (NM_001406495.1); short protein forms P288del, P372del, P424del, P476del, P306del.
Identifiers: ClinVar variation 2706028 (VCV002706028.3), dbSNP rs1592228303, ClinGen allele CA2697554499.

ClinVar aggregate classification (germline): Pathogenic (1 of 4 stars; one submission).

Conditions:
Telangiectasia, hereditary hemorrhagic, type 2 (HHT2). Also called: Telangiectasia, hereditary hemorrhagic, type II; ACVRL1-Related Hereditary Hemorrhagic Telangiectasia. Identifiers: Orphanet 774, MedGen C1838163, MONDO:0010880, OMIM 600376. Disease mechanism: loss of function.

Submission:

Labcorp Genetics (formerly Invitae), Labcorp
Classification: Pathogenic for Telangiectasia, hereditary hemorrhagic, type 2. Last evaluated: 2025-11-18. Review status: criteria provided, single submitter. Criteria: Invitae Variant Classification Sherloc (09022015). Collection method: clinical testing. Allele origin: germline.
Comment: This variant, c.1426_1428del, results in the deletion of 1 amino acid(s) of the ACVRL1 protein (p.Pro476del), but otherwise preserves the integrity of the reading frame. This variant is not present in population databases (gnomAD no frequency). This variant has not been reported in the literature in individuals affected with ACVRL1-related conditions. ClinVar contains an entry for this variant (Variation ID: 2706028). This variant disrupts a region of the ACVRL1 protein in which other variant(s) (p.Pro476Leu) have been determined to be pathogenic (internal data). This suggests that this is a clinically significant region of the protein, and that variants that disrupt it are likely to be disease-causing. For these reasons, this variant has been classified as Pathogenic.